The following is an entry in ClinVar:

NM_033028.5(BBS4):c.23C>T (p.Thr8Met)

Gene: BBS4 (Bardet-Biedl syndrome 4; plus strand). Cytogenetic location: 15q24.1.
Variant type: single nucleotide variant.
Coding change: c.23C>T on transcript NM_033028.5 (MANE Select); coding-DNA position 23, C replaced by T.
Protein change: p.Thr8Met; replaces threonine 8 with methionine.
Molecular consequence: missense variant. On other transcripts: 5 prime UTR variant (1), non-coding transcript variant (2).
Genome position (GRCh38, 1-based): chr15:72,686,250, C>T. VCF-style: chr15-72686250-C-T. GRCh37 (hg19) VCF-style: chr15-72978591-C-T.
Other names: c.-447C>T (NM_001252678.2); c.23C>T, p.Thr8Met (NM_001320665.2); c.23C>T (NM_033028.4); short protein forms T8M.
Identifiers: ClinVar variation 1364123 (VCV001364123.4), dbSNP rs769894375, ClinGen allele CA7646419.

ClinVar aggregate classification (germline): Uncertain significance. Review status: criteria provided, single submitter (1 of 4 stars). 2 submissions from 2 submitters: Uncertain significance (1). 1 of the submissions does not count toward it. Last evaluated 2022-08-16.

Conditions:
BBS4-related disorder. Also called: BBS4-related condition.
Bardet-Biedl syndrome (BBS). Identifiers: Orphanet 110, MedGen C0752166, MONDO:0015229.

Allele frequency attached by ClinVar (database versions not stated): gnomAD 0.00001; gnomAD exomes 0.00001; TOPMed 0.00001.
gnomAD v4.1: 16 of 1,564,998 alleles (0.001%); highest among the groups gnomAD compares: South Asian, 0.011%; no homozygotes.

Submissions (2):

Labcorp Genetics (formerly Invitae), Labcorp
Classification: Uncertain significance for Bardet-Biedl syndrome. Last evaluated: 2022-08-16. Review status: criteria provided, single submitter. Criteria: Invitae Variant Classification Sherloc (09022015). Collection method: clinical testing. Allele origin: germline.
Comment: This sequence change replaces threonine, which is neutral and polar, with methionine, which is neutral and non-polar, at codon 8 of the BBS4 protein (p.Thr8Met). The frequency data for this variant in the population databases is considered unreliable, as metrics indicate poor data quality at this position in the gnomAD database. This variant has not been reported in the literature in individuals affected with BBS4-related conditions. ClinVar contains an entry for this variant (Variation ID: 1364123). Algorithms developed to predict the effect of missense changes on protein structure and function output the following: SIFT: "Tolerated"; PolyPhen-2: "Benign"; Align-GVGD: "Class C0". The methionine amino acid residue is found in multiple mammalian species, which suggests that this missense change does not adversely affect protein function. In summary, the available evidence is currently insufficient to determine the role of this variant in disease. Therefore, it has been classified as a Variant of Uncertain Significance.

PreventionGenetics, part of Exact Sciences
Classification: Uncertain significance for BBS4-related condition. Last evaluated: 2024-04-06. Review status: no assertion criteria provided. Collection method: clinical testing. Allele origin: germline. Not counted in ClinVar's aggregate classification.
Comment: The BBS4 c.23C>T variant is predicted to result in the amino acid substitution p.Thr8Met. To our knowledge, this variant has not been reported in the literature. This variant is reported in 0.0042% of alleles in individuals of South Asian descent in gnomAD. At this time, the clinical significance of this variant is uncertain due to the absence of conclusive functional and genetic evidence.